The following is an entry in ClinVar:

ClinVar aggregate classification (germline): Uncertain significance (1 of 4 stars; one submission).

Conditions:
Cardiovascular phenotype. Identifiers: MedGen CN230736.

Submission:

Ambry Genetics
Classification: Uncertain significance for Cardiovascular phenotype. Last evaluated: 2022-09-19. Review status: criteria provided, single submitter. Criteria: Ambry Variant Classification Scheme 2023. Collection method: clinical testing. Allele origin: germline.
Comment: The p.E3596V variant (also known as c.10787A>T), located in coding exon 40 of the ANK2 gene, results from an A to T substitution at nucleotide position 10787. The glutamic acid at codon 3596 is replaced by valine, an amino acid with dissimilar properties. This amino acid position is conserved. In addition, this alteration is predicted to be deleterious by in silico analysis. Since supporting evidence is limited at this time, the clinical significance of this alteration remains unclear.

NM_001148.6(ANK2):c.10787A>T (p.Glu3596Val)

Gene: ANK2 (ankyrin 2; plus strand). Cytogenetic location: 4q26.
Variant type: single nucleotide variant.
Coding change: c.10787A>T on transcript NM_001148.6 (MANE Select); coding-DNA position 10787, A replaced by T.
Protein change: p.Glu3596Val; replaces glutamic acid 3596 with valine.
Molecular consequence: missense variant.
Genome position (GRCh38, 1-based): chr4:113,363,368, A>T. VCF-style: chr4-113363368-A-T. GRCh37 (hg19) VCF-style: chr4-114284524-A-T.
Other names: c.4346A>T, p.Glu1449Val (NM_001354276.2, NM_001386162.1, NM_001354249.2 and 2 more transcripts); c.4148A>T, p.Glu1383Val (NM_001354277.2, NM_001386157.1); c.2060A>T, p.Glu687Val (NM_001354278.2, NM_001354281.2); c.2096A>T, p.Glu699Val (NM_001354279.2, NM_001354282.2); c.2081A>T, p.Glu694Val (NM_001354280.2); c.10553A>T, p.Glu3518Val (NM_001386142.1); c.4469A>T, p.Glu1490Val (NM_001386143.1, NM_001354243.2, NM_001354255.2); c.4577A>T, p.Glu1526Val (NM_001386144.1, NM_001354240.2, NM_001354241.2); and 35 more; short protein forms E1350V, E1433V, E1438V, E1445V, E1457V, E1504V, E1511V, E1523V.
Identifiers: ClinVar variation 1785336 (VCV001785336.2), dbSNP rs2506618582, ClinGen allele CA357941232.